The following is an entry in ClinVar:

NM_000443.4(ABCB4):c.2050G>T (p.Glu684Ter)

Gene: ABCB4 (ATP binding cassette subfamily B member 4; minus strand). Cytogenetic location: 7q21.12.
Variant type: single nucleotide variant.
Coding change: c.2050G>T on transcript NM_000443.4 (MANE Select); coding-DNA position 2050, G replaced by T.
Protein change: p.Glu684Ter; replaces glutamic acid 684 with a stop codon.
Molecular consequence: nonsense.
Genome position (GRCh38, 1-based): chr7:87,426,764, C>A on the plus strand (G>T on the coding strand, the complement: ABCB4 is on the minus strand). VCF-style: chr7-87426764-C-A. GRCh37 (hg19) VCF-style: chr7-87056080-C-A.
Other names: c.2050G>T, p.Glu684Ter (NM_018849.3, NM_018850.3); short protein forms E684*.
Identifiers: ClinVar variation 4846438 (VCV004846438.1).

ClinVar aggregate classification (germline): Pathogenic (1 of 4 stars; one submission).

Conditions:
Familial intrahepatic cholestasis. Identifiers: Orphanet 284385, MedGen CN296401, MONDO:0017290.

Submission:

Genomenon, Inc
Classification: Pathogenic for Familial intrahepatic cholestasis. Last evaluated: 2026-04-14. Review status: criteria provided, single submitter. Criteria: Genomenon Sequence Variant Interpretation Standards - Updated. Collection method: curation. Allele origin: germline. Affected: yes.
Comment: ABCB4 p.Glu684Ter (c.2050G>T) is a nonsense variant that introduces a premature stop codon at amino acid position 684, creating a truncated protein that is predicted to undergo nonsense-mediated mRNA decay. This variant has been observed in at least one proband with an ABCB4-related disorder (PMID:28924228). It is absent or not present at a significant frequency in gnomAD. In conclusion, we classify ABCB4 p.Glu684Ter (c.2050G>T) as a pathogenic variant.

Literature cited by the submitters: PubMed 28924228.